The following is an entry in ClinVar:

ClinVar aggregate classification (germline): Uncertain significance (1 of 4 stars; one submission).

Conditions:
Cardiovascular phenotype. Identifiers: MedGen CN230736.

Allele frequency attached by ClinVar (database versions not stated): ExAC 0.00001.

Submission:

Ambry Genetics
Classification: Uncertain significance for Cardiovascular phenotype. Last evaluated: 2025-06-09. Review status: criteria provided, single submitter. Criteria: Ambry Variant Classification Scheme 2023. Collection method: clinical testing. Allele origin: germline.
Comment: The p.R349W variant (also known as c.1045A>T), located in coding exon 7 of the SPRED1 gene, results from an A to T substitution at nucleotide position 1045. The arginine at codon 349 is replaced by tryptophan, an amino acid with dissimilar properties. This amino acid position is conserved. In addition, this alteration is predicted to be deleterious by in silico analysis. Since supporting evidence is limited at this time, the clinical significance of this alteration remains unclear.

NM_152594.3(SPRED1):c.1045A>T (p.Arg349Trp)

Gene: SPRED1 (sprouty related EVH1 domain containing 1; plus strand). Cytogenetic location: 15q14.
Variant type: single nucleotide variant.
Coding change: c.1045A>T on transcript NM_152594.3 (MANE Select); coding-DNA position 1045, A replaced by T.
Protein change: p.Arg349Trp; replaces arginine 349 with tryptophan.
Molecular consequence: missense variant.
Genome position (GRCh38, 1-based): chr15:38,351,374, A>T. VCF-style: chr15-38351374-A-T. GRCh37 (hg19) VCF-style: chr15-38643575-A-T.
Other names: short protein forms R349W.
Identifiers: ClinVar variation 1775231 (VCV001775231.3), dbSNP rs774835982, ClinGen allele CA7470224.